The following is an entry in ClinVar:

ClinVar aggregate classification (germline): Uncertain significance (1 of 4 stars; one submission).

Allele frequency attached by ClinVar (database versions not stated): gnomAD exomes below 0.00001; TOPMed below 0.00001; gnomAD 0.00001.
gnomAD v4.1: 3 of 1,567,798 alleles (0.00019%); highest among the groups gnomAD compares: Non-Finnish European, 0.00026%; no homozygotes.

Submission:

GeneDx
Classification: Uncertain significance. Last evaluated: 2022-06-16. Review status: criteria provided, single submitter. Criteria: GeneDx Variant Classification Process June 2021. Collection method: clinical testing. Allele origin: germline. Affected: yes.
Comment: Not observed at significant frequency in large population cohorts (gnomAD); In silico analysis supports that this missense variant has a deleterious effect on protein structure/function; Has not been previously published as pathogenic or benign to our knowledge

NM_020971.3(SPTBN4):c.160G>A (p.Ala54Thr)

Gene: SPTBN4 (spectrin beta, non-erythrocytic 4; plus strand). Cytogenetic location: 19q13.2.
Variant type: single nucleotide variant.
Coding change: c.160G>A on transcript NM_020971.3 (MANE Select); coding-DNA position 160, G replaced by A.
Protein change: p.Ala54Thr; replaces alanine 54 with threonine.
Molecular consequence: missense variant.
Genome position (GRCh38, 1-based): chr19:40,472,781, G>A. VCF-style: chr19-40472781-G-A. GRCh37 (hg19) VCF-style: chr19-40978688-G-A.
Other names: short protein forms A54T.
Identifiers: ClinVar variation 1804223 (VCV001804223.1), dbSNP rs1166037726, ClinGen allele CA405888442.